The following is an entry in ClinVar:

ClinVar aggregate classification (germline): Uncertain significance. Review status: criteria provided, multiple submitters, no conflicts (2 of 4 stars). 2 submissions from 2 submitters: Uncertain significance (2). Last evaluated 2026-01-06.

Conditions:
Inborn genetic diseases. Identifiers: MedGen C0950123, MeSH D030342.

Allele frequency attached by ClinVar (database versions not stated): TOPMed below 0.00001; ExAC 0.00004; gnomAD 0.00001; gnomAD exomes 0.00002.
gnomAD v4.1: 33 of 1,614,090 alleles (0.002%); highest among the groups gnomAD compares: East Asian, 0.018%; 1 homozygote.

Submissions (2):

Labcorp Genetics (formerly Invitae), Labcorp
Classification: Uncertain significance. Last evaluated: 2026-01-06. Review status: criteria provided, single submitter. Criteria: Invitae Variant Classification Sherloc (09022015). Collection method: clinical testing. Allele origin: germline.
Comment: This sequence change replaces proline, which is neutral and non-polar, with leucine, which is neutral and non-polar, at codon 1336 of the ANK1 protein (p.Pro1336Leu). The frequency data for this variant in the population databases is considered unreliable, as metrics indicate poor data quality at this position in the gnomAD database. This variant has not been reported in the literature in individuals affected with ANK1-related conditions. ClinVar contains an entry for this variant (Variation ID: 2889539). Invitae Evidence Modeling of protein sequence and biophysical properties (such as structural, functional, and spatial information, amino acid conservation, physicochemical variation, residue mobility, and thermodynamic stability) indicates that this missense variant is not expected to disrupt ANK1 protein function with a negative predictive value of 80%. In summary, the available evidence is currently insufficient to determine the role of this variant in disease. Therefore, it has been classified as a Variant of Uncertain Significance.

Ambry Genetics
Classification: Uncertain significance for Inborn genetic diseases. Last evaluated: 2024-05-24. Review status: criteria provided, single submitter. Criteria: Ambry Variant Classification Scheme 2023. Collection method: clinical testing. Allele origin: germline.

NM_000037.4(ANK1):c.4007C>T (p.Pro1336Leu)

Gene: ANK1 (ankyrin 1; minus strand). Cytogenetic location: 8p11.21.
Variant type: single nucleotide variant.
Coding change: c.4007C>T on transcript NM_000037.4 (MANE Select); coding-DNA position 4007, C replaced by T.
Protein change: p.Pro1336Leu; replaces proline 1336 with leucine.
Molecular consequence: missense variant.
Genome position (GRCh38, 1-based): chr8:41,690,324, G>A on the plus strand (C>T on the coding strand, the complement: ANK1 is on the minus strand). VCF-style: chr8-41690324-G-A. GRCh37 (hg19) VCF-style: chr8-41547842-G-A.
Other names: c.4130C>T, p.Pro1377Leu (NM_001142446.2); c.4007C>T, p.Pro1336Leu (NM_020475.3, NM_020476.3, NM_020477.3); c.4007C>T (NM_000037.3); short protein forms P1336L, P1377L.
Identifiers: ClinVar variation 2889539 (VCV002889539.4), dbSNP rs774953398, ClinGen allele CA4727704.